The following is an entry in ClinVar:

ClinVar aggregate classification (germline): Likely benign (0 of 4 stars; one submission).

Conditions:
PXDNL-related disorder. Also called: PXDNL-related condition.

Allele frequency attached by ClinVar (database versions not stated): ExAC 0.00010; 1000 Genomes Project 0.00020; ESP Exome Variant Server 0.00024; 1000 Genomes Project 30x 0.00031; TOPMed 0.00034; gnomAD 0.00035.
gnomAD v4.1: 259 of 1,613,812 alleles (0.016%); highest among the groups gnomAD compares: Middle Eastern, 0.12%; 1 homozygote.

Submission:

PreventionGenetics, part of Exact Sciences
Classification: Likely benign for PXDNL-related condition. Last evaluated: 2019-09-25. Review status: no assertion criteria provided. Collection method: clinical testing. Allele origin: germline.
Comment: This variant is classified as likely benign based on ACMG/AMP sequence variant interpretation guidelines (Richards et al. 2015 PMID: 25741868, with internal and published modifications).

NM_144651.5(PXDNL):c.3594C>T (p.Pro1198=)

Gene: PXDNL (peroxidasin like; minus strand). Cytogenetic location: 8q11.22.
Variant type: single nucleotide variant.
Coding change: c.3594C>T on transcript NM_144651.5 (MANE Select); coding-DNA position 3594, C replaced by T.
Protein change: p.Pro1198=; no amino-acid change (proline 1198 retained).
Molecular consequence: synonymous variant.
Genome position (GRCh38, 1-based): chr8:51,374,695, G>A on the plus strand (C>T on the coding strand, the complement: PXDNL is on the minus strand). VCF-style: chr8-51374695-G-A. GRCh37 (hg19) VCF-style: chr8-52287255-G-A.
Identifiers: ClinVar variation 3040619 (VCV003040619.2), dbSNP rs200654236, ClinGen allele CA4744760.